The following is an entry in ClinVar:

ClinVar aggregate classification (germline): Uncertain significance (1 of 4 stars; one submission).

Conditions:
Cardiovascular phenotype. Identifiers: MedGen CN230736.

Submission:

Ambry Genetics
Classification: Uncertain significance for Cardiovascular phenotype. Last evaluated: 2025-03-25. Review status: criteria provided, single submitter. Criteria: Ambry Variant Classification Scheme 2023. Collection method: clinical testing. Allele origin: germline.
Comment: The p.D1109V variant (also known as c.3326A>T), located in coding exon 26 of the JAG1 gene, results from an A to T substitution at nucleotide position 3326. The aspartic acid at codon 1109 is replaced by valine, an amino acid with highly dissimilar properties. This amino acid position is conserved. In addition, this alteration is predicted to be deleterious by in silico analysis. Based on the available evidence, the clinical significance of this variant remains unclear.

NM_000214.3(JAG1):c.3326A>T (p.Asp1109Val)

Gene: JAG1 (jagged canonical Notch ligand 1; minus strand). Cytogenetic location: 20p12.2.
Variant type: single nucleotide variant.
Coding change: c.3326A>T on transcript NM_000214.3 (MANE Select); coding-DNA position 3326, A replaced by T.
Protein change: p.Asp1109Val; replaces aspartic acid 1109 with valine.
Molecular consequence: missense variant.
Genome position (GRCh38, 1-based): chr20:10,639,829, T>A on the plus strand (A>T on the coding strand, the complement: JAG1 is on the minus strand). VCF-style: chr20-10639829-T-A. GRCh37 (hg19) VCF-style: chr20-10620477-T-A.
Other names: short protein forms D1109V.
Identifiers: ClinVar variation 4040685 (VCV004040685.1).